The following is an entry in ClinVar:

ClinVar aggregate classification (germline): Uncertain significance (1 of 4 stars; one submission).

Conditions:
Early-infantile DEE. Also called: Early infantile epileptic encephalopathy with suppression bursts; Early infantile epileptic encephalopathy; Ohtahara syndrome. Identifiers: Orphanet 1934, MedGen C0393706, MONDO:0800491.

Submission:

Labcorp Genetics (formerly Invitae), Labcorp
Classification: Uncertain significance for Early-infantile DEE. Last evaluated: 2024-12-17. Review status: criteria provided, single submitter. Criteria: Invitae Variant Classification Sherloc (09022015). Collection method: clinical testing. Allele origin: germline.
Comment: This sequence change replaces glutamic acid, which is acidic and polar, with lysine, which is basic and polar, at codon 1623 of the SCN1A protein (p.Glu1623Lys). This variant is not present in population databases (gnomAD no frequency). This variant has not been reported in the literature in individuals affected with SCN1A-related conditions. ClinVar contains an entry for this variant (Variation ID: 2182546). Invitae Evidence Modeling of protein sequence and biophysical properties (such as structural, functional, and spatial information, amino acid conservation, physicochemical variation, residue mobility, and thermodynamic stability) has been performed for this missense variant. However, the output from this modeling did not meet the statistical confidence thresholds required to predict the impact of this variant on SCN1A protein function. In summary, the available evidence is currently insufficient to determine the role of this variant in disease. Therefore, it has been classified as a Variant of Uncertain Significance.

NM_001165963.4(SCN1A):c.4867G>A (p.Glu1623Lys)

Genes: SCN1A (sodium voltage-gated channel alpha subunit 1; minus strand), LOC102724058 (uncharacterized LOC102724058; plus strand). Cytogenetic location: 2q24.3.
Variant type: single nucleotide variant.
Coding change: c.4867G>A on transcript NM_001165963.4 (MANE Select); coding-DNA position 4867, G replaced by A.
Protein change: p.Glu1623Lys; replaces glutamic acid 1623 with lysine.
Molecular consequence: missense variant. On other transcripts: non-coding transcript variant (1).
Genome position (GRCh38, 1-based): chr2:165,992,408, C>T on the plus strand (G>A on the coding strand, the complement: SCN1A is on the minus strand). VCF-style: chr2-165992408-C-T. GRCh37 (hg19) VCF-style: chr2-166848918-C-T.
Other names: c.4783G>A, p.Glu1595Lys (NM_001165964.3, NM_001353957.2, NM_001353958.2); c.4867G>A, p.Glu1623Lys (NM_001202435.3, NM_001353948.2); c.4834G>A, p.Glu1612Lys (NM_001353949.2, NM_001353950.2, NM_001353951.2 and 2 more transcripts); c.4831G>A, p.Glu1611Lys (NM_001353954.2, NM_001353955.2); c.4780G>A, p.Glu1594Lys (NM_001353960.2); c.2425G>A, p.Glu809Lys (NM_001353961.2); short protein forms E1595K, E1611K, E1623K, E1594K, E809K, E1612K.
Identifiers: ClinVar variation 2182546 (VCV002182546.4), dbSNP rs1553520516, ClinGen allele CA349070697.